The following is an entry in ClinVar:

NM_000218.3(KCNQ1):c.1128+4del

Gene: KCNQ1 (potassium voltage-gated channel subfamily Q member 1; plus strand). Cytogenetic location: 11p15.5.
Variant type: Deletion.
Coding change: c.1128+4del on transcript NM_000218.3 (MANE Select); 4 bases into the intron after coding-DNA position 1128, one base deleted (C; older notation c.1128+4delC).
Molecular consequence: intron variant.
Genome position (GRCh38, 1-based): chr11:2,585,311, C deleted. VCF-style (leftmost placement, unchanged base first): chr11-2585310-GC-G. GRCh37 (hg19) VCF-style: chr11-2606540-GC-G.
Other names: c.858+4del (NM_001406837.1); c.1032+1766del (NM_001406836.1); c.588+1766del (NM_001406838.1); c.747+4del (NM_181798.2).
Identifiers: ClinVar variation 3071888 (VCV003071888.2), dbSNP rs1564825421, ClinGen allele CA597110700.

ClinVar aggregate classification (germline): Uncertain significance. Review status: criteria provided, multiple submitters, no conflicts (2 of 4 stars). 2 submissions from 2 submitters: Uncertain significance (2). Last evaluated 2025-09-09.

Conditions:
Long QT syndrome (LQTS). Identifiers: MedGen C0023976, MeSH D008133, MONDO:0002442. Disease mechanism: loss of function. Inheritance: Various modes of inheritance.
Cardiac arrhythmia. Also called: Cardiac rhythm disease; Arrhythmia. Identifiers: MedGen C0003811, MONDO:0007263, HP:0011675.

Allele frequency attached by ClinVar (database versions not stated): gnomAD exomes below 0.00001; TOPMed 0.00001.

Submissions (2):

Color Diagnostics, LLC DBA Color Health
Classification: Uncertain significance for Cardiac arrhythmia. Last evaluated: 2025-09-09. Review status: criteria provided, single submitter. Criteria: ACMG Guidelines, 2015. Collection method: clinical testing. Allele origin: germline.
Comment: This variant causes deletion of a nucleotide in intron 8 of the KCNQ1 gene. To our knowledge, functional studies have not been reported for this variant. This variant has not been reported in individuals affected with KCNQ1-related disorders in the literature. This variant has been identified in 1/250862 chromosomes in the general population by the Genome Aggregation Database (gnomAD). The available evidence is insufficient to determine the role of this variant in disease conclusively. Therefore, this variant is classified as a Variant of Uncertain Significance.

All of Us Research Program, National Institutes of Health
Classification: Uncertain significance for Long QT syndrome. Last evaluated: 2023-10-23. Review status: criteria provided, single submitter. Criteria: ACMG Guidelines, 2015. Collection method: clinical testing. Allele origin: germline. Inheritance: Autosomal dominant inheritance. Observed: 2 variant alleles, 2 heterozygotes.
Comment: This variant causes deletion of a nucleotide in intron 8 of the KCNQ1 gene. To our knowledge, functional studies have not been reported for this variant. This variant has not been reported in individuals affected with KCNQ1-related disorders in the literature. This variant has been identified in 1/250862 chromosomes in the general population by the Genome Aggregation Database (gnomAD). The available evidence is insufficient to determine the role of this variant in disease conclusively. Therefore, this variant is classified as a Variant of Uncertain Significance.

This study involves interpretation of variants in research participants for the purpose of population health screening. Participant phenotype was not available at the time of variant classification. Additional details can be found in publication PMID: 35346344, PMCID: PMC8962531